The following is an entry in ClinVar:

ClinVar aggregate classification (germline): Uncertain significance (1 of 4 stars; one submission).

Submission:

Labcorp Genetics (formerly Invitae), Labcorp
Classification: Uncertain significance. Last evaluated: 2025-04-17. Review status: criteria provided, single submitter. Criteria: Invitae Variant Classification Sherloc (09022015). Collection method: clinical testing. Allele origin: germline.
Comment: This sequence change replaces proline, which is neutral and non-polar, with histidine, which is basic and polar, at codon 316 of the BACH2 protein (p.Pro316His). This variant is not present in population databases (gnomAD no frequency). This variant has not been reported in the literature in individuals affected with BACH2-related conditions. An algorithm developed to predict the effect of missense changes on protein structure and function (PolyPhen-2) suggests that this variant is likely to be disruptive. In summary, the available evidence is currently insufficient to determine the role of this variant in disease. Therefore, it has been classified as a Variant of Uncertain Significance.

NM_021813.4(BACH2):c.947C>A (p.Pro316His)

Gene: BACH2 (BACH transcriptional regulator 2; minus strand). Cytogenetic location: 6q15.
Variant type: single nucleotide variant.
Coding change: c.947C>A on transcript NM_021813.4 (MANE Select); coding-DNA position 947, C replaced by A.
Protein change: p.Pro316His; replaces proline 316 with histidine.
Molecular consequence: missense variant.
Genome position (GRCh38, 1-based): chr6:89,951,159, G>T on the plus strand (C>A on the coding strand, the complement: BACH2 is on the minus strand). VCF-style: chr6-89951159-G-T. GRCh37 (hg19) VCF-style: chr6-90660878-G-T.
Other names: c.947C>A, p.Pro316His (NM_001170794.2); short protein forms P316H.
Identifiers: ClinVar variation 4797338 (VCV004797338.1).